The following is an entry in ClinVar:

ClinVar aggregate classification (germline): Uncertain significance (1 of 4 stars; one submission).

Allele frequency attached by ClinVar (database versions not stated): gnomAD exomes 0.00001.
gnomAD v4.1: 11 of 1,545,296 alleles (0.00071%); highest among the groups gnomAD compares: Non-Finnish European, 0.00087%; no homozygotes.

Submission:

Ambry Genetics
Classification: Uncertain significance. Last evaluated: 2023-07-04. Review status: criteria provided, single submitter. Criteria: Ambry Variant Classification Scheme 2023. Collection method: clinical testing. Allele origin: germline.
Comment: The p.L118V variant (also known as c.352C>G), located in coding exon 1 of the TERF2IP gene, results from a C to G substitution at nucleotide position 352. The leucine at codon 118 is replaced by valine, an amino acid with highly similar properties. This amino acid position is conserved. In addition, this alteration is predicted to be tolerated by in silico analysis. Since supporting evidence is limited at this time, the clinical significance of this alteration remains unclear.

NM_018975.4(TERF2IP):c.352C>G (p.Leu118Val)

Gene: TERF2IP (TERF2 interacting protein; plus strand). Cytogenetic location: 16q23.1.
Variant type: single nucleotide variant.
Coding change: c.352C>G on transcript NM_018975.4 (MANE Select); coding-DNA position 352, C replaced by G.
Protein change: p.Leu118Val; replaces leucine 118 with valine.
Molecular consequence: missense variant. On other transcripts: non-coding transcript variant (1).
Genome position (GRCh38, 1-based): chr16:75,648,234, C>G. VCF-style: chr16-75648234-C-G. GRCh37 (hg19) VCF-style: chr16-75682132-C-G.
Other names: short protein forms L118V.
Identifiers: ClinVar variation 1732345 (VCV001732345.3), dbSNP rs1208209834, ClinGen allele CA396817724.
Genomic context (GRCh38, chr16:75,648,234, plus strand): 5'-GCCTATCGGCTGGGCCCCGCCTCGGCGGCGGACACCGGCTCGGAAGCAAAGCCCGGGGCC[C>G]TGGCCGAGGGCGCCGCGGAGCCGGAGCCGCAGCGGCACGCCGGGCGGATCGCCTTCACGG-3'
Protein context (NP_061848.2, residues 108-128): DTGSEAKPGA[Leu118Val]AEGAAEPEPQ